The following is an entry in ClinVar:

NM_006086.4(TUBB3):c.387C>T (p.Cys129=)

Gene: TUBB3 (tubulin beta 3 class III; plus strand). Cytogenetic location: 16q24.3.
Variant type: single nucleotide variant.
Coding change: c.387C>T on transcript NM_006086.4 (MANE Select); coding-DNA position 387, C replaced by T.
Protein change: p.Cys129=; no amino-acid change (cysteine 129 retained).
Molecular consequence: synonymous variant.
Genome position (GRCh38, 1-based): chr16:89,934,838, C>T. VCF-style: chr16-89934838-C-T. GRCh37 (hg19) VCF-style: chr16-90001246-C-T.
Other names: c.171C>T, p.Cys57= (NM_001197181.2).
Identifiers: ClinVar variation 3250699 (VCV003250699.20), dbSNP rs746393721.
Genomic context (GRCh38, chr16:89,934,838, plus strand): 5'-GGCGGAGCTGGTGGATTCGGTCCTGGATGTGGTGCGGAAGGAGTGTGAAAACTGCGACTG[C>T]CTGCAGGGCTTCCAGCTGACCCACTCGCTGGGGGGCGGCACGGGCTCCGGCATGGGCACG-3'
Protein context (NP_006077.2, residues 119-139): VVRKECENCD[Cys129=]LQGFQLTHSL

ClinVar aggregate classification (germline): Likely benign. Review status: criteria provided, multiple submitters, no conflicts (2 of 4 stars). 2 submissions from 2 submitters: Likely benign (2). Last evaluated 2024-10-08.

Allele frequency attached by ClinVar (database versions not stated): ExAC 0.00001; gnomAD exomes 0.00001.
gnomAD v4.1: 3 of 1,614,172 alleles (0.00019%); highest among the groups gnomAD compares: East Asian, 0.0045%; no homozygotes.

Submissions (2):

Labcorp Genetics (formerly Invitae), Labcorp
Classification: Likely benign. Last evaluated: 2024-10-08. Review status: criteria provided, single submitter. Criteria: Invitae Variant Classification Sherloc (09022015). Collection method: clinical testing. Allele origin: germline.

CeGaT Center for Human Genetics Tuebingen
Classification: Likely benign. Last evaluated: 2024-06-01. Review status: criteria provided, single submitter. Criteria: CeGaT Center For Human Genetics Tuebingen Variant Classification Criteria Version 2. Collection method: clinical testing. Allele origin: germline. Affected: yes. Observed: 1 variant allele.
Comment: TUBB3: BP4, BP7